The following is an entry in ClinVar:

NM_021927.3(GUF1):c.66del (p.Ala23fs)

Genes: GUF1 (GTP binding elongation factor GUF1; plus strand), LOC129992541 (ATAC-STARR-seq lymphoblastoid silent region 15397; plus strand). Cytogenetic location: 4p12.
Variant type: Deletion.
Coding change: c.66del on transcript NM_021927.3 (MANE Select); coding-DNA position 66, one base deleted (C; older notation c.66delC).
Protein change: p.Ala23fs; shifts the reading frame from alanine 23.
Molecular consequence: frameshift variant. On other transcripts: 5 prime UTR variant (2).
Genome position (GRCh38, 1-based): chr4:44,678,688, C deleted; the last of 2 consecutive C bases (chr4:44,678,687-44,678,688); deleting either gives the same sequence. VCF-style (leftmost placement, unchanged base first): chr4-44678686-GC-G. GRCh37 (hg19) VCF-style: chr4-44680703-GC-G.
Other names: c.-903del (NM_001345867.2); c.66del, p.Ala23fs (NM_001345868.2); c.-795del (NM_001345869.2); short protein forms A23fs.
Identifiers: ClinVar variation 2809935 (VCV002809935.3), dbSNP rs2545485323, ClinGen allele CA2739270059.

ClinVar aggregate classification (germline): Uncertain significance (1 of 4 stars; one submission).

Submission:

Labcorp Genetics (formerly Invitae), Labcorp
Classification: Uncertain significance. Last evaluated: 2024-04-17. Review status: criteria provided, single submitter. Criteria: Invitae Variant Classification Sherloc (09022015). Collection method: clinical testing. Allele origin: germline.
Comment: This sequence change creates a premature translational stop signal (p.Ala23Argfs*62) in the GUF1 gene. It is expected to result in an absent or disrupted protein product. However, the current clinical and genetic evidence is not sufficient to establish whether loss-of-function variants in GUF1 cause disease. This variant is not present in population databases (gnomAD no frequency). This variant has not been reported in the literature in individuals affected with GUF1-related conditions. In summary, the available evidence is currently insufficient to determine the role of this variant in disease. Therefore, it has been classified as a Variant of Uncertain Significance.